The following is an entry in ClinVar:

NM_000501.4(ELN):c.1399A>G (p.Lys467Glu)

Gene: ELN (elastin; plus strand). Cytogenetic location: 7q11.23.
Variant type: single nucleotide variant.
Coding change: c.1399A>G on transcript NM_000501.4 (MANE Select); coding-DNA position 1399, A replaced by G.
Protein change: p.Lys467Glu; replaces lysine 467 with glutamic acid.
Molecular consequence: missense variant. On other transcripts: intron variant (7).
Genome position (GRCh38, 1-based): chr7:74,057,681, A>G. VCF-style: chr7-74057681-A-G. GRCh37 (hg19) VCF-style: chr7-73472011-A-G.
Other names: c.1414A>G, p.Lys472Glu (NM_001081754.3); c.1399A>G, p.Lys467Glu (NM_001278912.2, NM_001278915.2); c.1369A>G, p.Lys457Glu (NM_001278917.2); c.1486A>G, p.Lys496Glu (NM_001278939.2); c.1372+968A>G (NM_001081753.3); c.1357+968A>G (NM_001081755.3); c.1315+968A>G (NM_001278916.2); c.1171+968A>G (NM_001278913.2); and 3 more; short protein forms K472E, K496E, K467E, K457E.
Identifiers: ClinVar variation 858689 (VCV000858689.23), dbSNP rs1583924554, ClinGen allele CA367883063.

ClinVar aggregate classification (germline): Uncertain significance. Review status: criteria provided, multiple submitters, no conflicts (2 of 4 stars). 2 submissions from 2 submitters: Uncertain significance (2). Last evaluated 2024-10-01.

Conditions:
Supravalvar aortic stenosis (SVAS). Also called: Supravalvar aortic stenosis, Eisenberg type. Identifiers: Orphanet 3193, MedGen C0003499, MONDO:0008504, OMIM 185500, HP:0004381.

Allele frequency attached by ClinVar (database versions not stated): TOPMed 0.00001.

Submissions (2):

CeGaT Center for Human Genetics Tuebingen
Classification: Uncertain significance. Last evaluated: 2024-10-01. Review status: criteria provided, single submitter. Criteria: CeGaT Center For Human Genetics Tuebingen Variant Classification Criteria Version 2. Collection method: clinical testing. Allele origin: germline. Affected: yes. Observed: 1 variant allele.
Comment: ELN: PM2

Labcorp Genetics (formerly Invitae), Labcorp
Classification: Uncertain significance for Supravalvar aortic stenosis. Last evaluated: 2019-05-01. Review status: criteria provided, single submitter. Criteria: Invitae Variant Classification Sherloc (09022015). Collection method: clinical testing. Allele origin: germline.
Comment: Algorithms developed to predict the effect of missense changes on protein structure and function are either unavailable or do not agree on the potential impact of this missense change (SIFT: "Tolerated"; PolyPhen-2: "Probably damaging"; Align-GVGD: "Class C0"). In summary, the available evidence is currently insufficient to determine the role of this variant in disease. Therefore, it has been classified as a Variant of Uncertain Significance. This variant has not been reported in the literature in individuals with ELN-related conditions. This variant is not present in population databases (ExAC no frequency). This sequence change replaces lysine with glutamic acid at codon 496 of the ELN protein (p.Lys496Glu). The lysine residue is moderately conserved and there is a small physicochemical difference between lysine and glutamic acid.